The following is an entry in ClinVar:

NM_004082.5(DCTN1):c.575C>T (p.Ala192Val)

Gene: DCTN1 (dynactin subunit 1; minus strand). Cytogenetic location: 2p13.1.
Variant type: single nucleotide variant.
Coding change: c.575C>T on transcript NM_004082.5 (MANE Select); coding-DNA position 575, C replaced by T.
Protein change: p.Ala192Val; replaces alanine 192 with valine.
Molecular consequence: missense variant. On other transcripts: non-coding transcript variant (1).
Genome position (GRCh38, 1-based): chr2:74,371,607, G>A on the plus strand (C>T on the coding strand, the complement: DCTN1 is on the minus strand). VCF-style: chr2-74371607-G-A. GRCh37 (hg19) VCF-style: chr2-74598734-G-A.
Other names: c.515C>T, p.Ala172Val (NM_001135040.3); c.173C>T, p.Ala58Val (NM_001135041.3, NM_023019.4); c.464C>T, p.Ala155Val (NM_001190836.2); c.554C>T, p.Ala185Val (NM_001190837.2); c.524C>T, p.Ala175Val (NM_001378991.1); c.506C>T, p.Ala169Val (NM_001378992.1); short protein forms A155V, A169V, A172V, A175V, A185V, A192V, A58V.
Identifiers: ClinVar variation 1706318 (VCV001706318.4), dbSNP rs2529170779, ClinGen allele CA347367117.

ClinVar aggregate classification (germline): Uncertain significance. Review status: criteria provided, multiple submitters, no conflicts (2 of 4 stars). 3 submissions from 3 submitters: Uncertain significance (3). Last evaluated 2025-02-06.

Conditions:
Amyotrophic lateral sclerosis type 1 (ALS1). Also called: AMYOTROPHIC LATERAL SCLEROSIS 1, FAMILIAL. Identifiers: Orphanet 803, MedGen C1862939, MONDO:0007103, OMIM 105400.
Neuronopathy, distal hereditary motor, type 7B. Also called: NEURONOPATHY, DISTAL HEREDITARY MOTOR, HARDING TYPE VIIB; NEUROPATHY, DISTAL HEREDITARY MOTOR, HARDING TYPE VIIB; NEUROPATHY, DISTAL HEREDITARY MOTOR, WITH VOCAL CORD PARALYSIS, HARDING TYPE VIIB; NEURONOPATHY, DISTAL HEREDITARY MOTOR, AUTOSOMAL DOMINANT 14; Distal Hereditary Motor Neuronopathy Type 7B (dHMN7B); HMN VIIB. Identifiers: Orphanet 139589, MedGen C1843315, MONDO:0011879, OMIM 607641.
Perry syndrome. Also called: PARKINSONISM WITH ALVEOLAR HYPOVENTILATION AND MENTAL DEPRESSION. Identifiers: Orphanet 178509, MedGen C1868594, MONDO:0008201, OMIM 168605.

Submissions (3):

Labcorp Genetics (formerly Invitae), Labcorp
Classification: Uncertain significance for Amyotrophic lateral sclerosis type 1; Neuronopathy, distal hereditary motor, type 7B; Perry syndrome. Last evaluated: 2025-02-06. Review status: criteria provided, single submitter. Criteria: Invitae Variant Classification Sherloc (09022015). Collection method: clinical testing. Allele origin: germline.
Comment: This sequence change replaces alanine, which is neutral and non-polar, with valine, which is neutral and non-polar, at codon 192 of the DCTN1 protein (p.Ala192Val). This variant is not present in population databases (gnomAD no frequency). This variant has not been reported in the literature in individuals affected with DCTN1-related conditions. ClinVar contains an entry for this variant (Variation ID: 1706318). Invitae Evidence Modeling of protein sequence and biophysical properties (such as structural, functional, and spatial information, amino acid conservation, physicochemical variation, residue mobility, and thermodynamic stability) indicates that this missense variant is not expected to disrupt DCTN1 protein function with a negative predictive value of 95%. In summary, the available evidence is currently insufficient to determine the role of this variant in disease. Therefore, it has been classified as a Variant of Uncertain Significance.

Athena Diagnostics
Classification: Uncertain significance. Last evaluated: 2023-12-14. Review status: criteria provided, single submitter. Criteria: Athena Diagnostics Criteria. Collection method: clinical testing. Allele origin: unknown.
Comment: Available data are insufficient to determine the clinical significance of the variant at this time. This variant has not been reported in large, multi-ethnic general populations. This variant has been seen where an alternate explanation for disease was also identified, suggesting this variant may not cause disease. Computational tools predict that this variant is not damaging.

GeneDx
Classification: Uncertain significance. Last evaluated: 2022-03-15. Review status: criteria provided, single submitter. Criteria: GeneDx Variant Classification Process June 2021. Collection method: clinical testing. Allele origin: germline. Affected: yes.
Comment: Not observed at significant frequency in large population cohorts (gnomAD); In silico analysis supports that this missense variant does not alter protein structure/function; Has not been previously published as pathogenic or benign to our knowledge